The following is an entry in ClinVar:

NM_015158.5(KANK1):c.*8C>G

Gene: KANK1 (KN motif and ankyrin repeat domains 1; plus strand). Cytogenetic location: 9p24.3.
Variant type: single nucleotide variant.
Coding change: c.*8C>G on transcript NM_015158.5 (MANE Select); 8 bases downstream of the stop codon, C replaced by G.
Molecular consequence: 3 prime UTR variant. On other transcripts: non-coding transcript variant (1).
Genome position (GRCh38, 1-based): chr9:745,243, C>G. VCF-style: chr9-745243-C-G. GRCh37 (hg19) VCF-style: chr9-745243-C-G.
Other names: c.*8C>G (NM_001256876.3, NM_001256877.3, NM_001354331.2 and 14 more transcripts).
Identifiers: ClinVar variation 3054102 (VCV003054102.2), dbSNP rs376052597, ClinGen allele CA4961371.

ClinVar aggregate classification (germline): Likely benign (0 of 4 stars; one submission).

Conditions:
KANK1-related disorder. Also called: KANK1-related condition.

Allele frequency attached by ClinVar (database versions not stated): ExAC 0.00006; ESP Exome Variant Server 0.00008; TOPMed 0.00010; gnomAD 0.00011.
gnomAD v4.1: 205 of 1,613,830 alleles (0.013%); highest among the groups gnomAD compares: Non-Finnish European, 0.017%; no homozygotes.

Submission:

PreventionGenetics, part of Exact Sciences
Classification: Likely benign for KANK1-related condition. Last evaluated: 2022-12-19. Review status: no assertion criteria provided. Collection method: clinical testing. Allele origin: germline.
Comment: This variant is classified as likely benign based on ACMG/AMP sequence variant interpretation guidelines (Richards et al. 2015 PMID: 25741868, with internal and published modifications).